The following is an entry in ClinVar:

NM_014874.4(MFN2):c.1723C>T (p.Arg575Cys)

Gene: MFN2 (mitofusin 2; plus strand). Cytogenetic location: 1p36.22.
Variant type: single nucleotide variant.
Coding change: c.1723C>T on transcript NM_014874.4 (MANE Select); coding-DNA position 1723, C replaced by T.
Protein change: p.Arg575Cys; replaces arginine 575 with cysteine.
Molecular consequence: missense variant.
Genome position (GRCh38, 1-based): chr1:12,006,544, C>T. VCF-style: chr1-12006544-C-T. GRCh37 (hg19) VCF-style: chr1-12066601-C-T.
Other names: c.1723C>T, p.Arg575Cys (NM_001127660.2); short protein forms R575C.
Identifiers: ClinVar variation 188378 (VCV000188378.8), dbSNP rs786204244, ClinGen allele CA334755.

ClinVar aggregate classification (germline): Uncertain significance. Review status: criteria provided, multiple submitters, no conflicts (2 of 4 stars). 3 submissions from 3 submitters: Uncertain significance (3). Last evaluated 2025-09-26.

Conditions:
MFN2-related disorder. Also called: MFN2-related condition; MFN2-related disorders.
Charcot-Marie-Tooth disease type 2. Also called: Charcot-Marie-Tooth type 2. Identifiers: Orphanet 64746, MedGen C0270914, MONDO:0018993.

Allele frequency attached by ClinVar (database versions not stated): gnomAD exomes below 0.00001; TOPMed below 0.00001.
gnomAD v4.1: 4 of 1,614,168 alleles (0.00025%); highest among the groups gnomAD compares: South Asian, 0.0022%; no homozygotes.

Submissions (3):

PreventionGenetics, part of Exact Sciences
Classification: Uncertain significance for MFN2-related condition. Last evaluated: 2025-09-26. Review status: criteria provided, single submitter. Criteria: ACMG Guidelines, 2015. Collection method: clinical testing. Allele origin: germline.
Comment: The MFN2 c.1723C>T variant is predicted to result in the amino acid substitution p.Arg575Cys. To our knowledge, this variant has not been reported in the literature or in a large population database (gnomAD), indicating this variant is rare. At this time, the clinical significance of this variant is uncertain due to the absence of conclusive functional and genetic evidence.

Women's Health and Genetics/Laboratory Corporation of America, LabCorp
Classification: Uncertain significance. Last evaluated: 2025-03-26. Review status: criteria provided, single submitter. Criteria: LabCorp Variant Classification Summary - May 2015. Collection method: clinical testing. Allele origin: germline.
Comment: Variant summary: MFN2 c.1723C>T (p.Arg575Cys) results in a non-conservative amino acid change in the encoded protein sequence. Three of five in-silico tools predict a damaging effect of the variant on protein function. The variant was absent in 251348 control chromosomes (gnomAD). The available data on variant occurrences in the general population are insufficient to allow any conclusion about variant significance. To our knowledge, no occurrence of c.1723C>T in individuals affected with Charcot-Marie Disease, Axonal, Autosomal Recessive, Type 2a2b and no experimental evidence demonstrating its impact on protein function have been reported. ClinVar contains an entry for this variant (Variation ID: 188378). Based on the evidence outlined above, the variant was classified as uncertain significance.

Labcorp Genetics (formerly Invitae), Labcorp
Classification: Uncertain significance for Charcot-Marie-Tooth disease type 2. Last evaluated: 2023-08-24. Review status: criteria provided, single submitter. Criteria: Invitae Variant Classification Sherloc (09022015). Collection method: clinical testing. Allele origin: germline.
Comment: This sequence change replaces arginine, which is basic and polar, with cysteine, which is neutral and slightly polar, at codon 575 of the MFN2 protein (p.Arg575Cys). This variant is not present in population databases (gnomAD no frequency). This variant has not been reported in the literature in individuals affected with MFN2-related conditions. ClinVar contains an entry for this variant (Variation ID: 188378). Advanced modeling of protein sequence and biophysical properties (such as structural, functional, and spatial information, amino acid conservation, physicochemical variation, residue mobility, and thermodynamic stability) performed at Invitae indicates that this missense variant is expected to disrupt MFN2 protein function. In summary, the available evidence is currently insufficient to determine the role of this variant in disease. Therefore, it has been classified as a Variant of Uncertain Significance.